The following is an entry in ClinVar:

NM_000218.3(KCNQ1):c.195G>C (p.Ala65=)

Gene: KCNQ1 (potassium voltage-gated channel subfamily Q member 1; plus strand). Cytogenetic location: 11p15.5.
Variant type: single nucleotide variant.
Coding change: c.195G>C on transcript NM_000218.3 (MANE Select); coding-DNA position 195, G replaced by C.
Protein change: p.Ala65=; no amino-acid change (alanine 65 retained).
Molecular consequence: synonymous variant. On other transcripts: 5 prime UTR variant (1).
Genome position (GRCh38, 1-based): chr11:2,445,293, G>C. VCF-style: chr11-2445293-G-C. GRCh37 (hg19) VCF-style: chr11-2466523-G-C.
Other names: c.195G>C, p.Ala65= (NM_001406838.1, NM_001406836.1); c.-168G>C (NM_001406837.1).
Identifiers: ClinVar variation 2578627 (VCV002578627.25), dbSNP rs1846019517, ClinGen allele CA472416152.
Genomic context (GRCh38, chr11:2,445,293, plus strand): 5'-GGCGGGCGGCGCGCTCTACGCGCCCATCGCGCCCGGCGCCCCAGGTCCCGCGCCCCCTGC[G>C]TCCCCGGCCGCGCCCGCCGCGCCCCCAGTTGCCTCCGACCTTGGCCCGCGGCCGCCGGTG-3'
Protein context (NP_000209.2, residues 55-75): APGAPGPAPP[Ala65=]SPAAPAAPPV

ClinVar aggregate classification (germline): Likely benign (1 of 4 stars; one submission).

Submission:

CeGaT Center for Human Genetics Tuebingen
Classification: Likely benign. Last evaluated: 2023-08-01. Review status: criteria provided, single submitter. Criteria: CeGaT Center For Human Genetics Tuebingen Variant Classification Criteria Version 2. Collection method: clinical testing. Allele origin: germline. Affected: yes. Observed: 1 variant allele.
Comment: KCNQ1: PM2:Supporting, BP4, BP7